The following is an entry in ClinVar:

ClinVar aggregate classification (germline): Uncertain significance. Review status: criteria provided, multiple submitters, no conflicts (2 of 4 stars). 2 submissions from 2 submitters: Uncertain significance (2). Last evaluated 2025-11-19.

Conditions:
Inborn genetic diseases. Identifiers: MedGen C0950123, MeSH D030342.
Multiple congenital exostosis (EXT). Also called: Multiple exostoses; Multiple osteochondromas; Hereditary multiple exostoses; Hereditary multiple exostosis; MULTIPLE CARTILAGINOUS EXOSTOSES; Hereditary multiple osteochondromas. Identifiers: Orphanet 321, MedGen C0015306, MONDO:0005508, HP:0002762.

Allele frequency attached by ClinVar (database versions not stated): gnomAD 0.00001; ExAC 0.00002; TOPMed 0.00002.
gnomAD v4.1: 14 of 1,613,040 alleles (0.00087%); highest among the groups gnomAD compares: Non-Finnish European, 0.0011%; no homozygotes.

Submissions (2):

Ambry Genetics
Classification: Uncertain significance for Inborn genetic diseases. Last evaluated: 2025-11-19. Review status: criteria provided, single submitter. Criteria: Ambry Variant Classification Scheme 2023. Collection method: clinical testing. Allele origin: germline.
Comment: The c.1406A>G (p.Y469C) alteration is located in exon 5 (coding exon 5) of the EXT1 gene. This alteration results from a A to G substitution at nucleotide position 1406, causing the tyrosine (Y) at amino acid position 469 to be replaced by a cysteine (C). Based on data from gnomAD, the G allele has an overall frequency of 0.001% (2/250536) total alleles studied. The highest observed frequency was 0.002% (2/113440) of European (non-Finnish) alleles. Based on insufficient or conflicting evidence, the clinical significance of this alteration remains unclear.

Labcorp Genetics (formerly Invitae), Labcorp
Classification: Uncertain significance for Multiple congenital exostosis. Last evaluated: 2025-09-17. Review status: criteria provided, single submitter. Criteria: Invitae Variant Classification Sherloc (09022015). Collection method: clinical testing. Allele origin: germline.
Comment: This sequence change replaces tyrosine, which is neutral and polar, with cysteine, which is neutral and slightly polar, at codon 469 of the EXT1 protein (p.Tyr469Cys). This variant is present in population databases (rs750748090, gnomAD 0.002%). This variant has not been reported in the literature in individuals affected with EXT1-related conditions. ClinVar contains an entry for this variant (Variation ID: 1346427). Invitae Evidence Modeling of protein sequence and biophysical properties (such as structural, functional, and spatial information, amino acid conservation, physicochemical variation, residue mobility, and thermodynamic stability) has been performed for this missense variant. However, the output from this modeling did not meet the statistical confidence thresholds required to predict the impact of this variant on EXT1 protein function. In summary, the available evidence is currently insufficient to determine the role of this variant in disease. Therefore, it has been classified as a Variant of Uncertain Significance.

NM_000127.3(EXT1):c.1406A>G (p.Tyr469Cys)

Gene: EXT1 (exostosin glycosyltransferase 1; minus strand). Cytogenetic location: 8q24.11.
Variant type: single nucleotide variant.
Coding change: c.1406A>G on transcript NM_000127.3 (MANE Select); coding-DNA position 1406, A replaced by G.
Protein change: p.Tyr469Cys; replaces tyrosine 469 with cysteine.
Molecular consequence: missense variant.
Genome position (GRCh38, 1-based): chr8:117,822,476, T>C on the plus strand (A>G on the coding strand, the complement: EXT1 is on the minus strand). VCF-style: chr8-117822476-T-C. GRCh37 (hg19) VCF-style: chr8-118834715-T-C.
Other names: c.1406A>G (NM_000127.2); short protein forms Y469C.
Identifiers: ClinVar variation 1346427 (VCV001346427.8), dbSNP rs750748090, ClinGen allele CA4854158.